The following is an entry in ClinVar:

ClinVar aggregate classification (germline): Pathogenic/Likely pathogenic. Review status: criteria provided, multiple submitters, no conflicts (2 of 4 stars). 2 submissions from 2 submitters: Pathogenic (1); Likely pathogenic (1). Last evaluated 2024-02-07.

Conditions:
COL4A3-related disorder. Also called: COL4A3-Related Disorders; COL4A3-related condition.
Alport syndrome. Also called: Hemorrhagic familial nephritis; Hemorrhagic hereditary nephritis; Congenital hereditary hematuria. Identifiers: Orphanet 63, MedGen C1567741, MONDO:0018965.

Submissions (2):

Blueprint Genetics
Classification: Likely pathogenic for COL4A3-related disorders. Last evaluated: 2024-02-07. Review status: criteria provided, single submitter. Criteria: ACMG Guidelines, 2015. Collection method: clinical testing. Allele origin: germline. Affected: yes. Observed: 3 variant alleles.

Victorian Clinical Genetics Services, Murdoch Childrens Research Institute
Classification: Pathogenic for Alport syndrome. Last evaluated: 2020-05-21. Review status: criteria provided, single submitter. Criteria: ACMG Guidelines, 2015. Collection method: clinical testing. Allele origin: germline. Affected: yes.
Comment: A heterozygous nonsense variant was identified, NM_000091.4(COL4A3):c.2125G>T in exon 28 of 52 of the COL4A3 gene. This nonsense variant is predicted to create a change of a glycine to a stop at amino acid position 709 of the protein; NP_000082.2 (COL4A3):p.(Gly709*), resulting in the loss of normal protein function through nonsense-mediated decay (NMD). The variant is not present in the gnomAD population database. The variant has been previously reported pathogenic in patients with autosomal recessive Alport Syndrome (Oka, M. et al. (2014)). Based on information available at the time of curation, this variant has been classified as PATHOGENIC.

Literature cited by the submitters: PubMed 24633401 (cited by Victorian Clinical Genetics Services, Murdoch Childrens Research Institute).

NM_000091.5(COL4A3):c.2125G>T (p.Gly709Ter)

Genes: COL4A3 (collagen type IV alpha 3 chain; plus strand), MFF-DT (MFF divergent transcript; minus strand). Cytogenetic location: 2q36.3.
Variant type: single nucleotide variant.
Coding change: c.2125G>T on transcript NM_000091.5 (MANE Select); coding-DNA position 2125, G replaced by T.
Protein change: p.Gly709Ter; replaces glycine 709 with a stop codon.
Molecular consequence: nonsense.
Genome position (GRCh38, 1-based): chr2:227,277,553, G>T. VCF-style: chr2-227277553-G-T. GRCh37 (hg19) VCF-style: chr2-228142269-G-T.
Other names: short protein forms G709*.
Identifiers: ClinVar variation 3377372 (VCV003377372.2).
Genomic context (GRCh38, chr2:227,277,553, plus strand): 5'-GGGCCTGATGGTGAACCAGGAATTCCAGGAATTGGATTTCCTGGGCCTCCTGGACCTAAG[G>T]GTAAATTTAAAATTTTTTCAAACATAAAGTTTGTTGTGGATATTTAGAAGATGTTCATAT-3'